The following is an entry in ClinVar:

NM_000037.4(ANK1):c.2981C>T (p.Pro994Leu)

Gene: ANK1 (ankyrin 1; minus strand). Cytogenetic location: 8p11.21.
Variant type: single nucleotide variant.
Coding change: c.2981C>T on transcript NM_000037.4 (MANE Select); coding-DNA position 2981, C replaced by T.
Protein change: p.Pro994Leu; replaces proline 994 with leucine.
Molecular consequence: missense variant.
Genome position (GRCh38, 1-based): chr8:41,695,311, G>A on the plus strand (C>T on the coding strand, the complement: ANK1 is on the minus strand). VCF-style: chr8-41695311-G-A. GRCh37 (hg19) VCF-style: chr8-41552829-G-A.
Other names: c.3104C>T, p.Pro1035Leu (NM_001142446.2); c.2981C>T, p.Pro994Leu (NM_020475.3, NM_020476.3, NM_020477.3); short protein forms P994L, P1035L.
Identifiers: ClinVar variation 909143 (VCV000909143.5), dbSNP rs753931863, ClinGen allele CA175931640.

ClinVar aggregate classification (germline): Uncertain significance. Review status: criteria provided, multiple submitters, no conflicts (2 of 4 stars). 3 submissions from 2 submitters: Uncertain significance (3). Last evaluated 2023-06-02.

Conditions:
Hereditary spherocytosis type 1. Also called: Spherocytosis type 1; ANK1-Related Spherocytosis. Identifiers: Orphanet 822, MedGen C2674218, MONDO:0008447, OMIM 182900.
Spherocytosis. Identifiers: MedGen C0553720, HP:0004444.

Allele frequency attached by ClinVar (database versions not stated): gnomAD exomes below 0.00001; TOPMed below 0.00001.
gnomAD v4.1: 6 of 1,614,010 alleles (0.00037%); highest among the groups gnomAD compares: Admixed American, 0.0017%; no homozygotes.

Submissions (3):

3billion
Classification: Uncertain significance for Hereditary spherocytosis type 1. Last evaluated: 2023-06-02. Review status: criteria provided, single submitter. Criteria: ACMG Guidelines, 2015. Collection method: clinical testing. Allele origin: germline. Affected: yes.
Comment: The variant is not observed in the gnomAD v2.1.1 dataset. Predicted Consequence/Location: Protein truncation variants are a common disease-causing mechanism. In silico tool predictions suggest damaging effect of the variant on gene or gene product (REVEL: 0.61; 3Cnet: 0.16). Therefore, this variant is classified as VUS according to the recommendation of ACMG/AMP guideline.

Illumina Laboratory Services, Illumina
Classification: Uncertain significance for Spherocytosis. Last evaluated: 2018-01-12. Review status: criteria provided, single submitter. Criteria: ICSL Variant Classification Criteria 13 December 2019. Collection method: clinical testing. Allele origin: germline.

Illumina Laboratory Services, Illumina
Classification: Uncertain significance for Hereditary spherocytosis type 1. Last evaluated: 2018-01-12. Review status: criteria provided, single submitter. Criteria: ICSL Variant Classification Criteria 13 December 2019. Collection method: clinical testing. Allele origin: germline.